The following is an entry in ClinVar:

ClinVar aggregate classification (germline): Uncertain significance (1 of 4 stars; one submission).

Conditions:
Diamond-Blackfan anemia 10 (DBA10). Also called: RPS26-Related Diamond-Blackfan Anemia. Identifiers: Orphanet 124, MedGen C2750080, MONDO:0013217, OMIM 613309.

Submission:

Labcorp Genetics (formerly Invitae), Labcorp
Classification: Uncertain significance for Diamond-Blackfan anemia 10. Last evaluated: 2024-02-23. Review status: criteria provided, single submitter. Criteria: Invitae Variant Classification Sherloc (09022015). Collection method: clinical testing. Allele origin: germline.
Comment: This sequence change replaces serine, which is neutral and polar, with asparagine, which is neutral and polar, at codon 57 of the RPS26 protein (p.Ser57Asn). This variant is not present in population databases (gnomAD no frequency). This variant has not been reported in the literature in individuals affected with RPS26-related conditions. ClinVar contains an entry for this variant (Variation ID: 1715019). An algorithm developed to predict the effect of missense changes on protein structure and function (PolyPhen-2) suggests that this variant is likely to be tolerated. In summary, the available evidence is currently insufficient to determine the role of this variant in disease. Therefore, it has been classified as a Variant of Uncertain Significance.

NM_001029.5(RPS26):c.170G>A (p.Ser57Asn)

Gene: RPS26 (ribosomal protein S26; plus strand). Cytogenetic location: 12q13.2.
Variant type: single nucleotide variant.
Coding change: c.170G>A on transcript NM_001029.5 (MANE Select); coding-DNA position 170, G replaced by A.
Protein change: p.Ser57Asn; replaces serine 57 with asparagine.
Molecular consequence: missense variant.
Genome position (GRCh38, 1-based): chr12:56,042,591, G>A. VCF-style: chr12-56042591-G-A. GRCh37 (hg19) VCF-style: chr12-56436375-G-A.
Other names: short protein forms S57N.
Identifiers: ClinVar variation 1715019 (VCV001715019.5), dbSNP rs2540722898, ClinGen allele CA385326626.